The following is an entry in ClinVar:

ClinVar aggregate classification (germline): Pathogenic (1 of 4 stars; one submission).

Conditions:
Neurofibromatosis, type 1 (NF1). Also called: VON RECKLINGHAUSEN DISEASE; Peripheral type neurofibromatosis; Neurofibromatosis, type I; NEUROFIBROMATOSIS, TYPE I, SOMATIC. Identifiers: Orphanet 636, MedGen C0027831, MONDO:0018975, OMIM 162200. Disease mechanism: loss of function.

Submission:

Labcorp Genetics (formerly Invitae), Labcorp
Classification: Pathogenic for Neurofibromatosis, type 1. Last evaluated: 2021-04-09. Review status: criteria provided, single submitter. Criteria: Invitae Variant Classification Sherloc (09022015). Collection method: clinical testing. Allele origin: germline.
Comment: For these reasons, this variant has been classified as Pathogenic. This variant has not been reported in the literature in individuals with NF1-related conditions. This variant is not present in population databases (ExAC no frequency). This sequence change creates a premature translational stop signal (p.Gln2561Argfs*42) in the NF1 gene. It is expected to result in an absent or disrupted protein product. Loss-of-function variants in NF1 are known to be pathogenic (PMID: 10712197, 23913538).

Literature cited by the submitters: PubMed 10712197; PubMed 23913538.

NM_001042492.3(NF1):c.7745del (p.Gln2582fs)

Gene: NF1 (neurofibromin 1; plus strand). Cytogenetic location: 17q11.2.
Variant type: Deletion.
Coding change: c.7745del on transcript NM_001042492.3 (MANE Select); coding-DNA position 7745, one base deleted (A; older notation c.7745delA).
Protein change: p.Gln2582fs; shifts the reading frame from glutamine 2582.
Molecular consequence: frameshift variant.
Genome position (GRCh38, 1-based): chr17:31,356,966, A deleted. VCF-style (leftmost placement, unchanged base first): chr17-31356965-CA-C. GRCh37 (hg19) VCF-style: chr17-29683983-CA-C.
Other names: c.7682delA, p.Gln2561Argfs (NM_000267.4); short protein forms Q2561fs, Q2582fs.
Identifiers: ClinVar variation 1382069 (VCV001382069.6), dbSNP rs2151582179, ClinGen allele CA2573153440.